The following is an entry in ClinVar:

NM_001927.4(DES):c.78C>G (p.Leu26=)

Gene: DES (desmin; plus strand). Cytogenetic location: 2q35.
Variant type: single nucleotide variant.
Coding change: c.78C>G on transcript NM_001927.4 (MANE Select); coding-DNA position 78, C replaced by G.
Protein change: p.Leu26=; no amino-acid change (leucine 26 retained).
Molecular consequence: synonymous variant.
Genome position (GRCh38, 1-based): chr2:219,418,540, C>G. VCF-style: chr2-219418540-C-G. GRCh37 (hg19) VCF-style: chr2-220283262-C-G.
Identifiers: ClinVar variation 752561 (VCV000752561.35), dbSNP rs1252527107, ClinGen allele CA431427440.

ClinVar aggregate classification (germline): Likely benign. Review status: criteria provided, multiple submitters, no conflicts (2 of 4 stars). 2 submissions from 2 submitters: Likely benign (2). Last evaluated 2024-02-23.

Conditions:
Desmin-related myofibrillar myopathy (MFM1). Also called: MYOFIBRILLAR MYOPATHY WITH ARRHYTHMOGENIC RIGHT VENTRICULAR CARDIOMYOPATHY; DESMIN-RELATED MYOPATHY WITH ARRHYTHMOGENIC RIGHT VENTRICULAR CARDIOMYOPATHY; Desmin related myopathy (former name); Desmin storage myopathy (former name); Myofibrillar myopathy 1; Desminopathy. Identifiers: Orphanet 363543, Orphanet 98909, MedGen C1832370, MONDO:0011076, OMIM 601419.

Submissions (2):

Labcorp Genetics (formerly Invitae), Labcorp
Classification: Likely benign for Desmin-related myofibrillar myopathy. Last evaluated: 2024-02-23. Review status: criteria provided, single submitter. Criteria: Invitae Variant Classification Sherloc (09022015). Collection method: clinical testing. Allele origin: germline.

CeGaT Center for Human Genetics Tuebingen
Classification: Likely benign. Last evaluated: 2023-06-01. Review status: criteria provided, single submitter. Criteria: CeGaT Center For Human Genetics Tuebingen Variant Classification Criteria Version 2. Collection method: clinical testing. Allele origin: germline. Affected: yes. Observed: 1 variant allele.
Comment: DES: PM2:Supporting, BP4, BP7